The following is an entry in ClinVar:

ClinVar aggregate classification (germline): Likely benign. Review status: criteria provided, multiple submitters, no conflicts (2 of 4 stars). 5 submissions from 5 submitters: Likely benign (5). Last evaluated 2024-07-29.

Conditions:
Aortic aneurysm, familial thoracic 4 (AAT4). Also called: AORTIC ANEURYSM/AORTIC DISSECTION AND PATENT DUCTUS ARTERIOSUS. Identifiers: MedGen C1851504, MONDO:0007568, OMIM 132900.
Visceral myopathy 2. Identifiers: MedGen C5543466, MONDO:0859157, OMIM 619350.
Megacystis-microcolon-intestinal hypoperistalsis syndrome 2. Identifiers: MedGen C5543476, MONDO:0025708, OMIM 619351.
Familial thoracic aortic aneurysm and aortic dissection (TAAD). Also called: Thoracic aortic aneurysms and dissections. Identifiers: Orphanet 91387, MedGen C4707243, MONDO:0019625.

Allele frequency attached by ClinVar (database versions not stated): gnomAD exomes below 0.00001.
gnomAD v4.1: 1 of 1,613,546 alleles (0.000062%); highest among the groups gnomAD compares: African/African-American, 0.0013%; no homozygotes.

Submissions (5):

All of Us Research Program, National Institutes of Health
Classification: Likely benign for Familial thoracic aortic aneurysm and aortic dissection. Last evaluated: 2024-07-29. Review status: criteria provided, single submitter. Criteria: ACMG Guidelines, 2015. Collection method: clinical testing. Allele origin: germline. Inheritance: Autosomal dominant inheritance. Observed: 1 variant allele, 1 heterozygote.
Comment: This study involves interpretation of variants in research participants for the purpose of population health screening. Participant phenotype was not available at the time of variant classification. Additional details can be found in publication PMID: 35346344, PMCID: PMC8962531

Color Diagnostics, LLC DBA Color Health
Classification: Likely benign for Familial thoracic aortic aneurysm and aortic dissection. Last evaluated: 2022-11-06. Review status: criteria provided, single submitter. Criteria: ACMG Guidelines, 2015. Collection method: clinical testing. Allele origin: germline.

Fulgent Genetics
Classification: Likely benign for Aortic aneurysm, familial thoracic 4; Visceral myopathy 2; Megacystis-microcolon-intestinal hypoperistalsis syndrome 2. Last evaluated: 2021-10-01. Review status: criteria provided, single submitter. Criteria: ACMG Guidelines, 2015. Collection method: clinical testing. Allele origin: unknown.

Labcorp Genetics (formerly Invitae), Labcorp
Classification: Likely benign for Aortic aneurysm, familial thoracic 4. Last evaluated: 2021-03-07. Review status: criteria provided, single submitter. Criteria: Invitae Variant Classification Sherloc (09022015). Collection method: clinical testing. Allele origin: germline.

Ambry Genetics
Classification: Likely benign for Familial thoracic aortic aneurysm and aortic dissection. Last evaluated: 2020-03-13. Review status: criteria provided, single submitter. Criteria: Ambry Variant Classification Scheme 2023. Collection method: clinical testing. Allele origin: germline.

NM_002474.3(MYH11):c.1908G>A (p.Glu636=)

Gene: MYH11 (myosin heavy chain 11; minus strand). Cytogenetic location: 16p13.11.
Variant type: single nucleotide variant.
Coding change: c.1908G>A on transcript NM_002474.3 (MANE Select); coding-DNA position 1908, G replaced by A.
Protein change: p.Glu636=; no amino-acid change (glutamic acid 636 retained).
Molecular consequence: synonymous variant.
Genome position (GRCh38, 1-based): chr16:15,750,288, C>T on the plus strand (G>A on the coding strand, the complement: MYH11 is on the minus strand). VCF-style: chr16-15750288-C-T. GRCh37 (hg19) VCF-style: chr16-15844145-C-T.
Other names: c.1929G>A, p.Glu643= (NM_001040113.2, NM_001040114.2); c.1908G>A, p.Glu636= (NM_022844.3).
Identifiers: ClinVar variation 1534525 (VCV001534525.12), dbSNP rs1312174913, ClinGen allele CA493792937.